The following is an entry in ClinVar:

ClinVar aggregate classification (germline): Conflicting classifications of pathogenicity. Review status: criteria provided, conflicting classifications (1 of 4 stars). 2 submissions from 2 submitters: Uncertain significance (1); Likely benign (1). Last evaluated 2025-07-14.

Conditions:
DYNC1H1-related disorder. Also called: DYNC1H1-related condition; DYNC1H1-related disorders. Identifiers: MedGen CN381529.
Charcot-Marie-Tooth disease axonal type 2O. Also called: CHARCOT-MARIE-TOOTH DISEASE, AXONAL, AUTOSOMAL DOMINANT, TYPE 2O; CHARCOT-MARIE-TOOTH NEUROPATHY, AXONAL, TYPE 2O; Charcot-Marie-Tooth Neuropathy Type 2O; Charcot-Marie-Tooth disease, axonal, type 20. Identifiers: Orphanet 284232, MedGen C3280220, MONDO:0013644, OMIM 614228.

gnomAD v4.1: 5 of 1,614,014 alleles (0.00031%); highest among the groups gnomAD compares: Non-Finnish European, 0.00042%; no homozygotes.

Submissions (2):

Labcorp Genetics (formerly Invitae), Labcorp
Classification: Likely benign for Charcot-Marie-Tooth disease axonal type 2O. Last evaluated: 2025-07-14. Review status: criteria provided, single submitter. Criteria: Invitae Variant Classification Sherloc (09022015). Collection method: clinical testing. Allele origin: germline.

PreventionGenetics, part of Exact Sciences
Classification: Uncertain significance for DYNC1H1-related condition. Last evaluated: 2025-06-13. Review status: criteria provided, single submitter. Criteria: ACMG Guidelines, 2015. Collection method: clinical testing. Allele origin: germline.
Comment: The DYNC1H1 c.12441C>G variant is predicted to result in the amino acid substitution p.Phe4147Leu. To our knowledge, this variant has not been reported in the literature. This variant is reported in 0.00088% of alleles in individuals of European (Non-Finnish) descent in gnomAD. At this time, the clinical significance of this variant is uncertain due to the absence of conclusive functional and genetic evidence.

NM_001376.5(DYNC1H1):c.12441C>G (p.Phe4147Leu)

Gene: DYNC1H1 (dynein cytoplasmic 1 heavy chain 1; plus strand). Cytogenetic location: 14q32.31.
Variant type: single nucleotide variant.
Coding change: c.12441C>G on transcript NM_001376.5 (MANE Select); coding-DNA position 12441, C replaced by G.
Protein change: p.Phe4147Leu; replaces phenylalanine 4147 with leucine.
Molecular consequence: missense variant.
Genome position (GRCh38, 1-based): chr14:102,042,676, C>G. VCF-style: chr14-102042676-C-G. GRCh37 (hg19) VCF-style: chr14-102509013-C-G.
Other names: short protein forms F4147L.
Identifiers: ClinVar variation 852399 (VCV000852399.10), dbSNP rs146075696, ClinGen allele CA7353933.